The following is an entry in ClinVar:

ClinVar aggregate classification (germline): Uncertain significance (1 of 4 stars; one submission).

Conditions:
Pitt-Hopkins-like syndrome 2 (PTHSL2). Identifiers: Orphanet 221150, Orphanet 600663, MedGen C3280479, MONDO:0013690, OMIM 614325.

Submission:

Victorian Clinical Genetics Services, Murdoch Childrens Research Institute
Classification: Uncertain significance for Pitt-Hopkins-like syndrome 2. Last evaluated: 2026-06-22. Review status: criteria provided, single submitter. Criteria: ACMG Guidelines, 2015. Collection method: clinical testing. Allele origin: germline. Affected: yes.
Comment: This variant is classified as VUS-3B. Evidence in support of pathogenic classification: Variant is absent from gnomAD (v2, v3 and v4); Missense variant predicted to be damaging by in silico tool(s) or highly conserved with a major amino acid change; Additional information: Variant is predicted to result in a missense amino acid change from Ile to Asn; This variant is heterozygous; This gene is associated with autosomal recessive disease; Alternative amino acid change(s) at the same position are present in gnomAD (highest allele count: v4: 10 heterozygote(s), 0 homozygote(s)); This variant has no previous evidence of pathogenicity; No published evidence of segregation with disease has been identified for this variant; No published functional evidence has been identified for this variant; Other missense variant(s) comparable to the one identified in this case have inconclusive previous evidence for pathogenicity. Alternative changes, p.(Ile130Leu) and p.(Ile130Thr), have been reported as VUS by a clinical laboratory in ClinVar; Variant is located in the annotated laminin G domain (DECIPHER); Loss of function is a known mechanism of disease in this gene and is associated with Pitt-Hopkins-like syndrome 2 (MIM#614325).

NM_001330078.2(NRXN1):c.389T>A (p.Ile130Asn)

Gene: NRXN1 (neurexin 1; minus strand). Cytogenetic location: 2p16.3.
Variant type: single nucleotide variant.
Coding change: c.389T>A on transcript NM_001330078.2 (MANE Select); coding-DNA position 389, T replaced by A.
Protein change: p.Ile130Asn; replaces isoleucine 130 with asparagine.
Molecular consequence: missense variant.
Genome position (GRCh38, 1-based): chr2:51,027,885, A>T on the plus strand (T>A on the coding strand, the complement: NRXN1 is on the minus strand). VCF-style: chr2-51027885-A-T. GRCh37 (hg19) VCF-style: chr2-51255023-A-T.
Other names: c.389T>A, p.Ile130Asn (NM_001330095.2, NM_001330096.2, NM_004801.6 and 15 more transcripts); short protein forms I130N.
Identifiers: ClinVar variation 4879690 (VCV004879690.1).